The following is an entry in ClinVar:

ClinVar aggregate classification (germline): Uncertain significance (1 of 4 stars; one submission).

Allele frequency attached by ClinVar (database versions not stated): gnomAD 0.00001; gnomAD exomes 0.00001 and 0.00003; TOPMed 0.00002; ExAC 0.00005; 1000 Genomes Project 30x 0.00016; 1000 Genomes Project 0.00020.
gnomAD v4.1: 21 of 1,452,012 alleles (0.0014%); highest among the groups gnomAD compares: South Asian, 0.021%; no homozygotes.

Submission:

Labcorp Genetics (formerly Invitae), Labcorp
Classification: Uncertain significance. Last evaluated: 2022-07-13. Review status: criteria provided, single submitter. Criteria: Invitae Variant Classification Sherloc (09022015). Collection method: clinical testing. Allele origin: germline.
Comment: This sequence change replaces cysteine, which is neutral and slightly polar, with tyrosine, which is neutral and polar, at codon 252 of the ZNF341 protein (p.Cys252Tyr). This variant is present in population databases (rs537959262, gnomAD 0.03%). This variant has not been reported in the literature in individuals affected with ZNF341-related conditions. ClinVar contains an entry for this variant (Variation ID: 1514026). Algorithms developed to predict the effect of missense changes on protein structure and function are either unavailable or do not agree on the potential impact of this missense change (SIFT: "Deleterious"; PolyPhen-2: "Probably Damaging"; Align-GVGD: "Class C0"). In summary, the available evidence is currently insufficient to determine the role of this variant in disease. Therefore, it has been classified as a Variant of Uncertain Significance.

NM_001282933.2(ZNF341):c.755G>A (p.Cys252Tyr)

Gene: ZNF341 (zinc finger protein 341; plus strand). Cytogenetic location: 20q11.22.
Variant type: single nucleotide variant.
Coding change: c.755G>A on transcript NM_001282933.2 (MANE Select); coding-DNA position 755, G replaced by A.
Protein change: p.Cys252Tyr; replaces cysteine 252 with tyrosine.
Molecular consequence: missense variant. On other transcripts: non-coding transcript variant (1).
Genome position (GRCh38, 1-based): chr20:33,757,161, G>A. VCF-style: chr20-33757161-G-A. GRCh37 (hg19) VCF-style: chr20-32344967-G-A.
Other names: c.485G>A, p.Cys162Tyr (NM_001282935.2); c.755G>A, p.Cys252Tyr (NM_032819.5); short protein forms C162Y, C252Y.
Identifiers: ClinVar variation 1514026 (VCV001514026.5), dbSNP rs537959262, ClinGen allele CA9819263.
Genomic context (GRCh38, chr20:33,757,161, plus strand): 5'-TCCCCTTCCCTGGCAGGGCTTTTTCCCTGACTGTGTTGTCCTCCTAGGTGCCAAACCAGT[G>A]TGTGGAGCCTCCAGTATATCCCACCCCCACAGTGTACAGCCCTGGCAAACAGGGATTCAA-3'
Protein context (NP_001269862.1, residues 242-262): PYPPLEVPNQ[Cys252Tyr]VEPPVYPTPT